The following is an entry in ClinVar:

ClinVar aggregate classification (germline): Conflicting classifications of pathogenicity. Review status: criteria provided, conflicting classifications (1 of 4 stars). 2 submissions from 2 submitters: Uncertain significance (1); Likely benign (1). Last evaluated 2023-06-04.

Conditions:
Hereditary breast ovarian cancer syndrome. Also called: Hereditary breast and ovarian cancer; Hereditary breast and/or ovarian cancer syndrome; Hereditary breast and ovarian cancer syndrome; Hereditary breast and ovarian cancer syndrome (HBOC); Breast and ovarian cancer; BRCA1- and BRCA2-Associated Hereditary Breast and Ovarian Cancer. Identifiers: Orphanet 145, MedGen C0677776, MeSH D061325, MONDO:0003582. Disease mechanism: loss of function.
Hereditary cancer-predisposing syndrome. Also called: Hereditary neoplastic syndrome; Tumor predisposition; Neoplastic Syndromes, Hereditary; Hereditary Cancer Syndrome. Identifiers: Orphanet 140162, MedGen C0027672, MeSH D009386, MONDO:0015356.

Submissions (2):

Ambry Genetics
Classification: Likely benign for Hereditary cancer-predisposing syndrome. Last evaluated: 2023-06-04. Review status: criteria provided, single submitter. Criteria: Ambry Variant Classification Scheme 2023. Collection method: clinical testing. Allele origin: germline.

Labcorp Genetics (formerly Invitae), Labcorp
Classification: Uncertain significance for Hereditary breast ovarian cancer syndrome. Last evaluated: 2019-09-01. Review status: criteria provided, single submitter. Criteria: Invitae Variant Classification Sherloc (09022015). Collection method: clinical testing. Allele origin: germline.
Comment: This variant is not present in population databases (ExAC no frequency). In summary, the available evidence is currently insufficient to determine the role of this variant in disease. Therefore, it has been classified as a Variant of Uncertain Significance. Algorithms developed to predict the effect of missense changes on protein structure and function output the following: SIFT: "Tolerated"; PolyPhen-2: "Benign"; Align-GVGD: "Class C0". The asparagine amino acid residue is found in multiple mammalian species, suggesting that this missense change does not adversely affect protein function. These predictions have not been confirmed by published functional studies and their clinical significance is uncertain. This variant has not been reported in the literature in individuals with BRCA1-related conditions. This sequence change replaces aspartic acid with asparagine at codon 1506 of the BRCA1 protein (p.Asp1506Asn). The aspartic acid residue is weakly conserved and there is a small physicochemical difference between aspartic acid and asparagine.

NM_007294.4(BRCA1):c.4516G>A (p.Asp1506Asn)

Gene: BRCA1 (BRCA1 DNA repair associated; minus strand). Cytogenetic location: 17q21.31.
Variant type: single nucleotide variant.
Coding change: c.4516G>A on transcript NM_007294.4 (MANE Select); coding-DNA position 4516, G replaced by A.
Protein change: p.Asp1506Asn; replaces aspartic acid 1506 with asparagine.
Molecular consequence: missense variant. On other transcripts: non-coding transcript variant (1).
Genome position (GRCh38, 1-based): chr17:43,074,490, C>T on the plus strand (G>A on the coding strand, the complement: BRCA1 is on the minus strand). VCF-style: chr17-43074490-C-T. GRCh37 (hg19) VCF-style: chr17-41226507-C-T.
Other names: c.4303G>A, p.Asp1435Asn (NM_001407571.1, NM_001407894.1, NM_001407895.1 and 12 more transcripts); c.4582G>A, p.Asp1528Asn (NM_001407581.1, NM_001407582.1); c.4579G>A, p.Asp1527Asn (NM_001407583.1, NM_001407585.1, NM_001407587.1 and 1 more transcripts); c.4576G>A, p.Asp1526Asn (NM_001407590.1, NM_001407591.1); c.4516G>A, p.Asp1506Asn (NM_001407593.1, NM_001407594.1, NM_001407596.1 and 8 more transcripts); c.4513G>A, p.Asp1505Asn (NM_001407610.1, NM_001407611.1, NM_001407612.1 and 17 more transcripts); c.4510G>A, p.Asp1504Asn (NM_001407627.1, NM_001407628.1, NM_001407629.1 and 14 more transcripts); c.4507G>A, p.Asp1503Asn (NM_001407644.1, NM_001407645.1); and 68 more; short protein forms D1506N, D1527N, D1459N, D402N, D1393N, D1395N, D1457N, D1462N.
Identifiers: ClinVar variation 954694 (VCV000954694.13), dbSNP rs2052614346, ClinGen allele CA10592495.